The following is an entry in ClinVar:

NM_006734.4(HIVEP2):c.5614G>A (p.Glu1872Lys)

Gene: HIVEP2 (HIVEP zinc finger 2; minus strand). Cytogenetic location: 6q24.2.
Variant type: single nucleotide variant.
Coding change: c.5614G>A on transcript NM_006734.4 (MANE Select); coding-DNA position 5614, G replaced by A.
Protein change: p.Glu1872Lys; replaces glutamic acid 1872 with lysine.
Molecular consequence: missense variant.
Genome position (GRCh38, 1-based): chr6:142,761,470, C>T on the plus strand (G>A on the coding strand, the complement: HIVEP2 is on the minus strand). VCF-style: chr6-142761470-C-T. GRCh37 (hg19) VCF-style: chr6-143082607-C-T.
Other names: short protein forms E1872K.
Identifiers: ClinVar variation 3704795 (VCV003704795.2).

ClinVar aggregate classification (germline): Uncertain significance (1 of 4 stars; one submission).

Submission:

Labcorp Genetics (formerly Invitae), Labcorp
Classification: Uncertain significance. Last evaluated: 2025-06-09. Review status: criteria provided, single submitter. Criteria: Invitae Variant Classification Sherloc (09022015). Collection method: clinical testing. Allele origin: germline.
Comment: This sequence change replaces glutamic acid, which is acidic and polar, with lysine, which is basic and polar, at codon 1872 of the HIVEP2 protein (p.Glu1872Lys). This variant is not present in population databases (gnomAD no frequency). This variant has not been reported in the literature in individuals affected with HIVEP2-related conditions. ClinVar contains an entry for this variant (Variation ID: 3704795). Invitae Evidence Modeling of protein sequence and biophysical properties (such as structural, functional, and spatial information, amino acid conservation, physicochemical variation, residue mobility, and thermodynamic stability) indicates that this missense variant is expected to disrupt HIVEP2 protein function with a positive predictive value of 80%. In summary, the available evidence is currently insufficient to determine the role of this variant in disease. Therefore, it has been classified as a Variant of Uncertain Significance.